The following is an entry in ClinVar:

ClinVar aggregate classification (germline): Uncertain significance (1 of 4 stars; one submission).

Submission:

CeGaT Center for Human Genetics Tuebingen
Classification: Uncertain significance. Last evaluated: 2025-08-01. Review status: criteria provided, single submitter. Criteria: CeGaT Center For Human Genetics Tuebingen Variant Classification Criteria Version 2. Collection method: clinical testing. Allele origin: germline. Affected: yes. Observed: 1 variant allele.
Comment: RELN: PM2, PP3

NM_005045.4(RELN):c.3912+3A>G

Gene: RELN (reelin; minus strand). Cytogenetic location: 7q22.1.
Variant type: single nucleotide variant.
Coding change: c.3912+3A>G on transcript NM_005045.4 (MANE Select); 3 bases into the intron after coding-DNA position 3912, A replaced by G.
Molecular consequence: intron variant.
Genome position (GRCh38, 1-based): chr7:103,593,679, T>C on the plus strand (A>G on the coding strand, the complement: RELN is on the minus strand). VCF-style: chr7-103593679-T-C. GRCh37 (hg19) VCF-style: chr7-103234126-T-C.
Other names: c.3912+3A>G (NM_173054.3).
Identifiers: ClinVar variation 4084908 (VCV004084908.8).